The following is an entry in ClinVar:

ClinVar aggregate classification (germline): Uncertain significance (1 of 4 stars; one submission).

Allele frequency attached by ClinVar (database versions not stated): TOPMed below 0.00001; gnomAD 0.00001.
gnomAD v4.1: 3 of 1,613,960 alleles (0.00019%); highest among the groups gnomAD compares: Non-Finnish European, 0.00025%; no homozygotes.

Submission:

Labcorp Genetics (formerly Invitae), Labcorp
Classification: Uncertain significance. Last evaluated: 2025-04-28. Review status: criteria provided, single submitter. Criteria: Invitae Variant Classification Sherloc (09022015). Collection method: clinical testing. Allele origin: germline.
Comment: This sequence change replaces phenylalanine, which is neutral and non-polar, with leucine, which is neutral and non-polar, at codon 326 of the RCBTB1 protein (p.Phe326Leu). This variant is not present in population databases (gnomAD no frequency). This variant has not been reported in the literature in individuals affected with RCBTB1-related conditions. ClinVar contains an entry for this variant (Variation ID: 1059863). Invitae Evidence Modeling of protein sequence and biophysical properties (such as structural, functional, and spatial information, amino acid conservation, physicochemical variation, residue mobility, and thermodynamic stability) indicates that this missense variant is not expected to disrupt RCBTB1 protein function with a negative predictive value of 80%. In summary, the available evidence is currently insufficient to determine the role of this variant in disease. Therefore, it has been classified as a Variant of Uncertain Significance.

NM_018191.4(RCBTB1):c.978C>A (p.Phe326Leu)

Gene: RCBTB1 (RCC1 and BTB domain containing protein 1; minus strand). Cytogenetic location: 13q14.2.
Variant type: single nucleotide variant.
Coding change: c.978C>A on transcript NM_018191.4 (MANE Select); coding-DNA position 978, C replaced by A.
Protein change: p.Phe326Leu; replaces phenylalanine 326 with leucine.
Molecular consequence: missense variant. On other transcripts: non-coding transcript variant (2).
Genome position (GRCh38, 1-based): chr13:49,549,525, G>T on the plus strand (C>A on the coding strand, the complement: RCBTB1 is on the minus strand). VCF-style: chr13-49549525-G-T. GRCh37 (hg19) VCF-style: chr13-50123661-G-T.
Other names: c.978C>A, p.Phe326Leu (NM_001352500.2, NM_001352501.2, NM_001352502.2 and 3 more transcripts); c.399C>A, p.Phe133Leu (NM_001352506.2); short protein forms F133L, F326L.
Identifiers: ClinVar variation 1059863 (VCV001059863.7), dbSNP rs1961141211, ClinGen allele CA388189542.